The following is an entry in ClinVar:

NM_182961.4(SYNE1):c.19114G>T (p.Ala6372Ser)

Gene: SYNE1 (spectrin repeat containing nuclear envelope protein 1; minus strand). Cytogenetic location: 6q25.2.
Variant type: single nucleotide variant.
Coding change: c.19114G>T on transcript NM_182961.4 (MANE Select); coding-DNA position 19114, G replaced by T.
Protein change: p.Ala6372Ser; replaces alanine 6372 with serine.
Molecular consequence: missense variant.
Genome position (GRCh38, 1-based): chr6:152,255,737, C>A on the plus strand (G>T on the coding strand, the complement: SYNE1 is on the minus strand). VCF-style: chr6-152255737-C-A. GRCh37 (hg19) VCF-style: chr6-152576872-C-A.
Other names: c.18901G>T, p.Ala6301Ser (NM_033071.5); short protein forms A6301S, A6372S.
Identifiers: ClinVar variation 2185594 (VCV002185594.7), dbSNP rs769911507, ClinGen allele CA4054761.

ClinVar aggregate classification (germline): Uncertain significance. Review status: criteria provided, multiple submitters, no conflicts (2 of 4 stars). 2 submissions from 2 submitters: Uncertain significance (2). Last evaluated 2023-12-11.

Conditions:
Emery-Dreifuss muscular dystrophy 4, autosomal dominant (EDMD4). Also called: EMERY-DREIFUSS MUSCULAR DYSTROPHY 4 WITH VARIABLE FEATURES. Identifiers: Orphanet 261, MedGen C2751807, MONDO:0013071, OMIM 612998.
Autosomal recessive ataxia, Beauce type. Also called: Spinocerebellar ataxia, autosomal recessive 8; ATAXIA, RECESSIVE, OF BEAUCE; SYNE1-Related Autosomal Recessive Cerebellar Ataxia; SYNE1 Deficiency. Identifiers: Orphanet 88644, MedGen C1853116, MONDO:0012549, OMIM 610743.

gnomAD v4.1: 20 of 1,614,064 alleles (0.0012%); highest among the groups gnomAD compares: South Asian, 0.018%; no homozygotes.

Submissions (2):

Revvity Omics, Revvity
Classification: Uncertain significance. Last evaluated: 2023-12-11. Review status: criteria provided, single submitter. Criteria: ACMG Guidelines, 2015. Collection method: clinical testing. Allele origin: germline.

Labcorp Genetics (formerly Invitae), Labcorp
Classification: Uncertain significance for Emery-Dreifuss muscular dystrophy 4, autosomal dominant; Autosomal recessive ataxia, Beauce type. Last evaluated: 2021-12-22. Review status: criteria provided, single submitter. Criteria: Invitae Variant Classification Sherloc (09022015). Collection method: clinical testing. Allele origin: germline.
Comment: Algorithms developed to predict the effect of missense changes on protein structure and function (SIFT, PolyPhen-2, Align-GVGD) all suggest that this variant is likely to be tolerated. In summary, the available evidence is currently insufficient to determine the role of this variant in disease. Therefore, it has been classified as a Variant of Uncertain Significance. This sequence change replaces alanine, which is neutral and non-polar, with serine, which is neutral and polar, at codon 6301 of the SYNE1 protein (p.Ala6301Ser). This variant is present in population databases (rs769911507, gnomAD 0.02%). This variant has not been reported in the literature in individuals affected with SYNE1-related conditions.